The following is an entry in ClinVar:

NM_198253.3(TERT):c.3136A>G (p.Ile1046Val)

Gene: TERT (telomerase reverse transcriptase; minus strand). Cytogenetic location: 5p15.33.
Variant type: single nucleotide variant.
Coding change: c.3136A>G on transcript NM_198253.3 (MANE Select); coding-DNA position 3136, A replaced by G.
Protein change: p.Ile1046Val; replaces isoleucine 1046 with valine.
Molecular consequence: missense variant. On other transcripts: non-coding transcript variant (2).
Genome position (GRCh38, 1-based): chr5:1,255,308, T>C on the plus strand (A>G on the coding strand, the complement: TERT is on the minus strand). VCF-style: chr5-1255308-T-C. GRCh37 (hg19) VCF-style: chr5-1255423-T-C.
Other names: c.2947A>G, p.Ile983Val (NM_001193376.3); c.3136A>G, p.Ile1046Val (NM_003219.1); short protein forms I1046V, I983V.
Identifiers: ClinVar variation 2948267 (VCV002948267.3), dbSNP rs1747638734, ClinGen allele CA359068061.

ClinVar aggregate classification (germline): Uncertain significance (1 of 4 stars; one submission).

Conditions:
Idiopathic Pulmonary Fibrosis. Also called: Idiopathic fibrosing alveolitis, chronic form; idiopathic fibrosing alveolitis. Identifiers: Orphanet 2032, MedGen C1800706, MeSH D054990, MONDO:0800504.
Dyskeratosis congenita, autosomal dominant 2. Identifiers: MedGen C3151443, MONDO:0013521, OMIM 613989.

Allele frequency attached by ClinVar (database versions not stated): gnomAD exomes below 0.00001.
gnomAD v4.1: 1 of 1,613,958 alleles (0.000062%); highest among the groups gnomAD compares: Non-Finnish European, 0.000085%; no homozygotes.

Submission:

Labcorp Genetics (formerly Invitae), Labcorp
Classification: Uncertain significance for Dyskeratosis congenita, autosomal dominant 2; Idiopathic Pulmonary Fibrosis. Last evaluated: 2023-07-23. Review status: criteria provided, single submitter. Criteria: Invitae Variant Classification Sherloc (09022015). Collection method: clinical testing. Allele origin: germline.
Comment: This sequence change replaces isoleucine, which is neutral and non-polar, with valine, which is neutral and non-polar, at codon 1046 of the TERT protein (p.Ile1046Val). This variant is not present in population databases (gnomAD no frequency). This variant has not been reported in the literature in individuals affected with TERT-related conditions. Algorithms developed to predict the effect of missense changes on protein structure and function output the following: SIFT: "Not Available"; PolyPhen-2: "Benign"; Align-GVGD: "Not Available". The valine amino acid residue is found in multiple mammalian species, which suggests that this missense change does not adversely affect protein function. In summary, the available evidence is currently insufficient to determine the role of this variant in disease. Therefore, it has been classified as a Variant of Uncertain Significance.